The following is an entry in ClinVar:

NC_000006.11:g.(?_393153)_(407598_?)dup

Gene: IRF4 (interferon regulatory factor 4; plus strand). Cytogenetic location: 6p25.3.
Variant type: Duplication.
Identifiers: ClinVar variation 1015054 (VCV001015054.6).

ClinVar aggregate classification (germline): Uncertain significance (1 of 4 stars; one submission).

Submission:

Labcorp Genetics (formerly Invitae), Labcorp
Classification: Uncertain significance. Last evaluated: 2023-07-22. Review status: criteria provided, single submitter. Criteria: Invitae Variant Classification Sherloc (09022015). Collection method: clinical testing. Allele origin: germline.
Comment: In summary, the available evidence is currently insufficient to determine the role of this variant in disease. Therefore, it has been classified as a Variant of Uncertain Significance. This variant has not been reported in the literature in individuals affected with IRF4-related conditions. A copy number gain of the genomic region encompassing the full coding sequence of the IRF4 gene has been identified. The boundaries of this event are unknown as they extend beyond the assayed region for this gene and therefore may encompass additional genes. As the precise location of this event is unknown, it may be in tandem or it may be located elsewhere in the genome.